The following is an entry in ClinVar:

NM_152443.3(RDH12):c.863C>T (p.Thr288Ile)

Genes: RDH12 (retinol dehydrogenase 12; plus strand), ZFYVE26 (zinc finger FYVE-type containing 26; minus strand), GPHN (gephyrin; plus strand). Cytogenetic location: 14q24.1.
Variant type: single nucleotide variant.
Coding change: c.863C>T on transcript NM_152443.3 (MANE Select); coding-DNA position 863, C replaced by T.
Protein change: p.Thr288Ile; replaces threonine 288 with isoleucine.
Molecular consequence: missense variant.
Genome position (GRCh38, 1-based): chr14:67,733,760, C>T. VCF-style: chr14-67733760-C-T. GRCh37 (hg19) VCF-style: chr14-68200477-C-T.
Other names: c.863C>T (NM_152443.2); short protein forms T288I.
Identifiers: ClinVar variation 2200811 (VCV002200811.2), dbSNP rs1184408326, ClinGen allele CA390153997.

ClinVar aggregate classification (germline): Uncertain significance. Review status: criteria provided, multiple submitters, no conflicts (2 of 4 stars). 2 submissions from 2 submitters: Uncertain significance (2). Last evaluated 2025-10-07.

Conditions:
Inborn genetic diseases. Identifiers: MedGen C0950123, MeSH D030342.
Leber congenital amaurosis 13 (LCA13). Identifiers: MedGen C2675186, MONDO:0012990, OMIM 612712.

Allele frequency attached by ClinVar (database versions not stated): gnomAD exomes below 0.00001; TOPMed 0.00001; gnomAD 0.00003.
gnomAD v4.1: 5 of 1,612,604 alleles (0.00031%); highest among the groups gnomAD compares: Admixed American, 0.0083%; no homozygotes.

Submissions (2):

Ambry Genetics
Classification: Uncertain significance for Inborn genetic diseases. Last evaluated: 2025-10-07. Review status: criteria provided, single submitter. Criteria: Ambry Variant Classification Scheme 2023. Collection method: clinical testing. Allele origin: germline.

Labcorp Genetics (formerly Invitae), Labcorp
Classification: Uncertain significance for Leber congenital amaurosis 13. Last evaluated: 2022-03-04. Review status: criteria provided, single submitter. Criteria: Invitae Variant Classification Sherloc (09022015). Collection method: clinical testing. Allele origin: germline.
Comment: This sequence change replaces threonine, which is neutral and polar, with isoleucine, which is neutral and non-polar, at codon 288 of the RDH12 protein (p.Thr288Ile). This variant is present in population databases (no rsID available, gnomAD no frequency). This variant has not been reported in the literature in individuals affected with RDH12-related conditions. Algorithms developed to predict the effect of missense changes on protein structure and function (SIFT, PolyPhen-2, Align-GVGD) all suggest that this variant is likely to be tolerated. In summary, the available evidence is currently insufficient to determine the role of this variant in disease. Therefore, it has been classified as a Variant of Uncertain Significance.